The following is an entry in ClinVar:

NM_006261.5(PROP1):c.113_114delinsT (p.Ser38fs)

Gene: PROP1 (PROP paired-like homeobox 1; minus strand). Cytogenetic location: 5q35.3.
Variant type: Indel.
Coding change: c.113_114delinsT on transcript NM_006261.5 (MANE Select); coding-DNA positions 113 to 114, CG replaced by T.
Protein change: p.Ser38fs; shifts the reading frame from serine 38.
Molecular consequence: frameshift variant.
Genome position (GRCh38, 1-based): chr5:177,994,334-177,994,335, CG replaced by A on the plus strand (CG replaced by T on the coding strand, the reverse complement: PROP1 is on the minus strand). VCF-style: chr5-177994334-CG-A. GRCh37 (hg19) VCF-style: chr5-177421335-CG-A.
Other names: short protein forms S38fs.
Identifiers: ClinVar variation 965760 (VCV000965760.5), dbSNP rs1755703455, ClinGen allele CA1139659281.

ClinVar aggregate classification (germline): Pathogenic (1 of 4 stars; one submission).

Submission:

Labcorp Genetics (formerly Invitae), Labcorp
Classification: Pathogenic. Last evaluated: 2019-10-02. Review status: criteria provided, single submitter. Criteria: Invitae Variant Classification Sherloc (09022015). Collection method: clinical testing. Allele origin: germline.
Comment: This variant disrupts the C-terminus of the PROP1 protein. Other variant(s) that disrupt this region (p.Leu102Cysfs*8) have been determined to be pathogenic (PMID: 9462743, 28734020, 11081182, 26111865, 17162714, 16735499). This suggests that variants that disrupt this region of the protein are likely to be causative of disease. This variant has not been reported in the literature in individuals with PROP1-related conditions. This variant is not present in population databases (ExAC no frequency). This sequence change results in a premature translational stop signal in the PROP1 gene (p.Ser38Leufs*127). While this is not anticipated to result in nonsense mediated decay, it is expected to disrupt the last 189 amino acids of the PROP1 protein. For these reasons, this variant has been classified as Pathogenic.

Literature cited by the submitters: PubMed 9462743; PubMed 28734020; PubMed 11081182; PubMed 26111865; PubMed 17162714; PubMed 16735499.